The following is an entry in ClinVar:

ClinVar aggregate classification (germline): Uncertain significance (1 of 4 stars; one submission).

Submission:

Labcorp Genetics (formerly Invitae), Labcorp
Classification: Uncertain significance. Last evaluated: 2022-05-17. Review status: criteria provided, single submitter. Criteria: Invitae Variant Classification Sherloc (09022015). Collection method: clinical testing. Allele origin: germline.
Comment: This variant is not present in population databases (gnomAD no frequency). This sequence change replaces glutamine, which is neutral and polar, with histidine, which is basic and polar, at codon 1444 of the A2ML1 protein (p.Gln1444His). This variant has not been reported in the literature in individuals affected with A2ML1-related conditions. In summary, the available evidence is currently insufficient to determine the role of this variant in disease. Therefore, it has been classified as a Variant of Uncertain Significance. Algorithms developed to predict the effect of missense changes on protein structure and function (SIFT, PolyPhen-2, Align-GVGD) all suggest that this variant is likely to be tolerated.

NM_144670.6(A2ML1):c.4332G>C (p.Gln1444His)

Gene: A2ML1 (alpha-2-macroglobulin like 1; plus strand). Cytogenetic location: 12p13.31.
Variant type: single nucleotide variant.
Coding change: c.4332G>C on transcript NM_144670.6 (MANE Select); coding-DNA position 4332, G replaced by C.
Protein change: p.Gln1444His; replaces glutamine 1444 with histidine.
Molecular consequence: missense variant.
Genome position (GRCh38, 1-based): chr12:8,874,978, G>C. VCF-style: chr12-8874978-G-C. GRCh37 (hg19) VCF-style: chr12-9027574-G-C.
Other names: c.2859G>C, p.Gln953His (NM_001282424.3); short protein forms Q1444H, Q953H.
Identifiers: ClinVar variation 1995614 (VCV001995614.4), dbSNP rs2539331139, ClinGen allele CA383814835.